The following is an entry in ClinVar:

NM_024926.4(IFT56):c.1070-8C>T

Gene: IFT56 (intraflagellar transport 56; plus strand). Cytogenetic location: 7q34.
Variant type: single nucleotide variant.
Coding change: c.1070-8C>T on transcript NM_024926.4 (MANE Select); 8 bases into the intron before coding-DNA position 1070, C replaced by T.
Molecular consequence: intron variant.
Genome position (GRCh38, 1-based): chr7:139,178,206, C>T. VCF-style: chr7-139178206-C-T. GRCh37 (hg19) VCF-style: chr7-138862952-C-T.
Other names: c.650-8C>T (NM_001318333.2); c.1129-309C>T (NM_001321740.2); c.1070-8C>T (NM_001144920.3); c.752-8C>T (NM_001321741.2); c.677-8C>T (NM_001287512.2); c.977-8C>T (NM_001144923.3); c.755-8C>T (NM_001287513.2).
Identifiers: ClinVar variation 4978914 (VCV004978914.1).

ClinVar aggregate classification (germline): Likely benign (1 of 4 stars; one submission).

Conditions:
IFT56-related disorder. Also called: IFT56-related condition.

gnomAD v4.1: 156 of 1,604,944 alleles (0.0097%); highest among the groups gnomAD compares: East Asian, 0.23%; no homozygotes.

Submission:

PreventionGenetics, part of Exact Sciences
Classification: Likely benign for IFT56-related condition. Last evaluated: 2026-09-08. Review status: criteria provided, single submitter. Criteria: ACMG Guidelines, 2015. Collection method: clinical testing. Allele origin: germline.
Comment: This variant is classified as likely benign based on ACMG/AMP sequence variant interpretation guidelines (Richards et al. 2015 PMID: 25741868, with internal and published modifications).